The following is an entry in ClinVar:

NM_000128.4(F11):c.167del (p.Cys56fs)

Gene: F11 (coagulation factor XI; plus strand). Cytogenetic location: 4q35.2.
Variant type: Deletion.
Coding change: c.167del on transcript NM_000128.4 (MANE Select); coding-DNA position 167, one base deleted (G; older notation c.167delG).
Protein change: p.Cys56fs; shifts the reading frame from cysteine 56.
Molecular consequence: frameshift variant.
Genome position (GRCh38, 1-based): chr4:186,271,720, G deleted. VCF-style (leftmost placement, unchanged base first): chr4-186271719-TG-T. GRCh37 (hg19) VCF-style: chr4-187192873-TG-T.
Other names: c.167delG, p.Cys56Phefs (NM_000128.3); c.167del, p.Cys56fs (NM_001354804.2, NM_001440590.1, NM_001440593.1 and 5 more transcripts); short protein forms C56fs.
Identifiers: ClinVar variation 4817496 (VCV004817496.1).
Genomic context (GRCh38, chr4:186,271,719, plus strand): 5'-ACTACGGTCTTCACACCAAGCGCCAAGTACTGCCAGGTAGTCTGCACTTACCACCCAAGA[TG>T]TTTACTCTTCACTTTCACGGCGGAATCACCATCTGAGGATCCCACCCGATGGTAAATGCT-3'

ClinVar aggregate classification (germline): Likely pathogenic (1 of 4 stars; one submission).

Conditions:
Plasma factor XI deficiency.

Submission:

Natera, Inc.
Classification: Likely pathogenic for Plasma factor XI deficiency. Last evaluated: 2024-06-26. Review status: criteria provided, single submitter. Criteria: Natera Variant Classification Schema (03/2026). Collection method: clinical testing. Allele origin: germline.
Comment: The c.167del variant in F11 is a frameshift variant predicted to shift the reading frame beginning at codon 56 and leads to a stop codon 23 codons downstream. This variant is expected to result in nonsense mediated decay, truncation, or a dysfunctional protein product. This variant is rare in the general population with a frequency below the threshold expected for the associated phenotype(s). Given the available evidence, this variant is classified as Likely Pathogenic.